The following is an entry in ClinVar:

NM_015331.3(NCSTN):c.1283A>G (p.Gln428Arg)

Gene: NCSTN (nicastrin; plus strand). Cytogenetic location: 1q23.2.
Variant type: single nucleotide variant.
Coding change: c.1283A>G on transcript NM_015331.3 (MANE Select); coding-DNA position 1283, A replaced by G.
Protein change: p.Gln428Arg; replaces glutamine 428 with arginine.
Molecular consequence: missense variant.
Genome position (GRCh38, 1-based): chr1:160,354,221, A>G. VCF-style: chr1-160354221-A-G. GRCh37 (hg19) VCF-style: chr1-160324011-A-G.
Other names: c.1223A>G, p.Gln408Arg (NM_001290184.2); c.869A>G, p.Gln290Arg (NM_001290186.2); c.1283A>G, p.Gln428Arg (NM_001349729.2); short protein forms Q290R, Q408R, Q428R.
Identifiers: ClinVar variation 2788703 (VCV002788703.3), dbSNP rs1458872564, ClinGen allele CA343281543.

ClinVar aggregate classification (germline): Uncertain significance (1 of 4 stars; one submission).

Allele frequency attached by ClinVar (database versions not stated): gnomAD 0.00001; TOPMed 0.00001.
gnomAD v4.1: 1 of 1,614,084 alleles (0.000062%); highest among the groups gnomAD compares: African/African-American, 0.0013%; no homozygotes.

Submission:

Labcorp Genetics (formerly Invitae), Labcorp
Classification: Uncertain significance. Last evaluated: 2023-06-14. Review status: criteria provided, single submitter. Criteria: Invitae Variant Classification Sherloc (09022015). Collection method: clinical testing. Allele origin: germline.
Comment: This sequence change replaces glutamine, which is neutral and polar, with arginine, which is basic and polar, at codon 428 of the NCSTN protein (p.Gln428Arg). This variant is not present in population databases (gnomAD no frequency). This variant has not been reported in the literature in individuals affected with NCSTN-related conditions. Advanced modeling of protein sequence and biophysical properties (such as structural, functional, and spatial information, amino acid conservation, physicochemical variation, residue mobility, and thermodynamic stability) performed at Invitae indicates that this missense variant is expected to disrupt NCSTN protein function. Algorithms developed to predict the effect of sequence changes on RNA splicing suggest that this variant may disrupt the consensus splice site. In summary, the available evidence is currently insufficient to determine the role of this variant in disease. Therefore, it has been classified as a Variant of Uncertain Significance.